The following is an entry in ClinVar:

NM_017954.11(CADPS2):c.3262G>A (p.Asp1088Asn)

Gene: CADPS2 (calcium dependent secretion activator 2; minus strand). Cytogenetic location: 7q31.32.
Variant type: single nucleotide variant.
Coding change: c.3262G>A on transcript NM_017954.11 (MANE Select); coding-DNA position 3262, G replaced by A.
Protein change: p.Asp1088Asn; replaces aspartic acid 1088 with asparagine.
Molecular consequence: missense variant.
Genome position (GRCh38, 1-based): chr7:122,387,076, C>T on the plus strand (G>A on the coding strand, the complement: CADPS2 is on the minus strand). VCF-style: chr7-122387076-C-T. GRCh37 (hg19) VCF-style: chr7-122027130-C-T.
Other names: c.3124G>A, p.Asp1042Asn (NM_001009571.4, NM_001363398.2); c.3274G>A, p.Asp1092Asn (NM_001167940.2, NM_001363391.2); c.3283G>A, p.Asp1095Asn (NM_001363389.2, NM_001363390.2); c.3163G>A, p.Asp1055Asn (NM_001363392.2, NM_001363393.2); c.3154G>A, p.Asp1052Asn (NM_001363394.2); c.3145G>A, p.Asp1049Asn (NM_001363395.2); c.3142G>A, p.Asp1048Asn (NM_001363396.2); c.3133G>A, p.Asp1045Asn (NM_001363397.2); and 3 more; short protein forms D1042N, D1048N, D1049N, D1088N, D934N, D1052N, D1095N, D1045N.
Identifiers: ClinVar variation 715236 (VCV000715236.7), dbSNP rs76528953, ClinGen allele CA4459259.

ClinVar aggregate classification (germline): Likely benign. Review status: criteria provided, multiple submitters, no conflicts (2 of 4 stars). 3 submissions from 3 submitters: Likely benign (2). 1 of the submissions does not count toward it. Last evaluated 2019-12-31.

Conditions:
CADPS2-related disorder. Also called: CADPS2-related condition.

Allele frequency attached by ClinVar (database versions not stated): 1000 Genomes Project 0.00100; 1000 Genomes Project 30x 0.00109; gnomAD exomes 0.00196 and 0.00431; gnomAD 0.00228 and 0.00235; TOPMed 0.00239; ESP Exome Variant Server 0.00245; ExAC 0.00255.
gnomAD v4.1: 6,386 of 1,561,438 alleles (0.41%); highest among the groups gnomAD compares: Non-Finnish European, 0.52%; 21 homozygotes.

Submissions (3):

Labcorp Genetics (formerly Invitae), Labcorp
Classification: Likely benign. Last evaluated: 2019-12-31. Review status: criteria provided, single submitter. Criteria: Invitae Variant Classification Sherloc (09022015). Collection method: clinical testing. Allele origin: germline.

Breakthrough Genomics
Classification: Likely benign. Review status: criteria provided, single submitter. Criteria: ACMG Guidelines, 2015. Collection method: not provided. Allele origin: germline. Inheritance: Unknown mechanism. Affected: yes.

PreventionGenetics, part of Exact Sciences
Classification: Likely benign for CADPS2-related condition. Last evaluated: 2022-02-01. Review status: no assertion criteria provided. Collection method: clinical testing. Allele origin: germline. Not counted in ClinVar's aggregate classification.
Comment: This variant is classified as likely benign based on ACMG/AMP sequence variant interpretation guidelines (Richards et al. 2015 PMID: 25741868, with internal and published modifications).